The following is an entry in ClinVar:

ClinVar aggregate classification (germline): Uncertain significance (1 of 4 stars; one submission).

Conditions:
COG5-congenital disorder of glycosylation. Also called: CDG IIi; CONGENITAL DISORDER OF GLYCOSYLATION, TYPE IIi; COG5-CDG. Identifiers: Orphanet 263487, MedGen C3150876, MONDO:0013325, OMIM 613612.

Allele frequency attached by ClinVar (database versions not stated): gnomAD exomes below 0.00001; gnomAD 0.00001.
gnomAD v4.1: 9 of 1,612,972 alleles (0.00056%); highest among the groups gnomAD compares: East Asian, 0.0022%; no homozygotes.

Submission:

Labcorp Genetics (formerly Invitae), Labcorp
Classification: Uncertain significance for COG5-congenital disorder of glycosylation. Last evaluated: 2023-12-13. Review status: criteria provided, single submitter. Criteria: Invitae Variant Classification Sherloc (09022015). Collection method: clinical testing. Allele origin: germline.
Comment: This sequence change falls in intron 12 of the COG5 gene. It does not directly change the encoded amino acid sequence of the COG5 protein. It affects a nucleotide within the consensus splice site. This variant is present in population databases (no rsID available, gnomAD 0.005%). This variant has not been reported in the literature in individuals affected with COG5-related conditions. ClinVar contains an entry for this variant (Variation ID: 937028). Variants that disrupt the consensus splice site are a relatively common cause of aberrant splicing (PMID: 17576681, 9536098). Algorithms developed to predict the effect of sequence changes on RNA splicing suggest that this variant is not likely to affect RNA splicing. In summary, the available evidence is currently insufficient to determine the role of this variant in disease. Therefore, it has been classified as a Variant of Uncertain Significance.

Literature cited by the submitters: PubMed 17576681; PubMed 9536098.

NM_006348.5(COG5):c.1314-3C>T

Gene: COG5 (component of oligomeric golgi complex 5; minus strand). Cytogenetic location: 7q22.3.
Variant type: single nucleotide variant.
Coding change: c.1314-3C>T on transcript NM_006348.5 (MANE Select); 3 bases into the intron before coding-DNA position 1314, C replaced by T.
Molecular consequence: intron variant.
Genome position (GRCh38, 1-based): chr7:107,283,735, G>A on the plus strand (C>T on the coding strand, the complement: COG5 is on the minus strand). VCF-style: chr7-107283735-G-A. GRCh37 (hg19) VCF-style: chr7-106924180-G-A.
Other names: c.600-3C>T (NM_001379516.1); c.744-3C>T (NM_001379515.1); c.1314-2336C>T (NM_001379511.1); c.1314-3C>T (NM_001379512.1, NM_181733.4, NM_001379514.1 and 2 more transcripts).
Identifiers: ClinVar variation 937028 (VCV000937028.8), dbSNP rs1432561660, ClinGen allele CA577175098.